The following is an entry in ClinVar:

ClinVar aggregate classification (germline): Likely benign (1 of 4 stars; one submission).

Allele frequency attached by ClinVar (database versions not stated): gnomAD 0.00002.
gnomAD v4.1: 6 of 1,613,484 alleles (0.00037%); highest among the groups gnomAD compares: African/African-American, 0.0027%; no homozygotes.

Submission:

CeGaT Center for Human Genetics Tuebingen
Classification: Likely benign. Last evaluated: 2022-09-01. Review status: criteria provided, single submitter. Criteria: CeGaT Center For Human Genetics Tuebingen Variant Classification Criteria Version 2. Collection method: clinical testing. Allele origin: germline. Affected: yes. Observed: 1 variant allele.
Comment: SPTBN4: BP4, BP7

NM_020971.3(SPTBN4):c.1056G>A (p.Thr352=)

Gene: SPTBN4 (spectrin beta, non-erythrocytic 4; plus strand). Cytogenetic location: 19q13.2.
Variant type: single nucleotide variant.
Coding change: c.1056G>A on transcript NM_020971.3 (MANE Select); coding-DNA position 1056, G replaced by A.
Protein change: p.Thr352=; no amino-acid change (threonine 352 retained).
Molecular consequence: synonymous variant.
Genome position (GRCh38, 1-based): chr19:40,502,286, G>A. VCF-style: chr19-40502286-G-A. GRCh37 (hg19) VCF-style: chr19-41008193-G-A.
Identifiers: ClinVar variation 2649883 (VCV002649883.22), dbSNP rs752752948, ClinGen allele CA9445510.